The following is an entry in ClinVar:

ClinVar aggregate classification (germline): Pathogenic (1 of 4 stars; one submission).

Conditions:
Recessive dystrophic epidermolysis bullosa (RDEB). Also called: DYSTROPHIC EPIDERMOLYSIS BULLOSA, AUTOSOMAL RECESSIVE; EPIDERMOLYSIS BULLOSA DYSTROPHICA, HALLOPEAU-SIEMENS TYPE; Hallopeau-Siemens Disease; severe generalized recessive dystrophic epidermolysis bullosa; EPIDERMOLYSIS BULLOSA DYSTROPHICA, GENERALIZED SEVERE, AUTOSOMAL RECESSIVE; Epidermolysis Bullosa Distrophica Autosomal Recessive (RDEB). Identifiers: Orphanet 79408, Orphanet 79409, MedGen C0079474, MONDO:0009179, OMIM 226600.

Submission:

Myriad Genetics, Inc.
Classification: Pathogenic for Recessive dystrophic epidermolysis bullosa. Last evaluated: 2026-05-29. Review status: criteria provided, single submitter. Criteria: Myriad Autosomal Dominant, Autosomal Recessive and X-Linked Classification Criteria (2023). Collection method: clinical testing. Allele origin: unknown.
Comment: NM_000094.3(COL7A1):c.2122_2129del8(R708Wfs*29) is expected to be pathogenic in the context of dystrophic epidermolysis bullosa. This variant is predicted to lead to an abnormal or absent protein product due to the creation of a premature termination codon in COL7A1, a gene where loss-of-function variants are known to be pathogenic. Please note: this variant was assessed in the context of healthy population screening.

NM_000094.4(COL7A1):c.2122_2129del (p.Arg708fs)

Gene: COL7A1 (collagen type VII alpha 1 chain; minus strand). Cytogenetic location: 3p21.31.
Variant type: Deletion.
Coding change: c.2122_2129del on transcript NM_000094.4 (MANE Select); coding-DNA positions 2122 to 2129, 8 bases deleted (AGGGTTCC; older notation c.2122_2129delAGGGTTCC).
Protein change: p.Arg708fs; shifts the reading frame from arginine 708.
Molecular consequence: frameshift variant.
Genome position (GRCh38, 1-based): chr3:48,589,640-48,589,647, GGAACCCT deleted on the plus strand (AGGGTTCC on the coding strand, the reverse complement: COL7A1 is on the minus strand); deleting any 8 consecutive bases within chr3:48,589,640-48,589,649 gives the same sequence; the c. name uses the placement nearest the transcript's 3' end. VCF-style (leftmost placement, unchanged base first): chr3-48589639-AGGAACCCT-A. GRCh37 (hg19) VCF-style: chr3-48627072-AGGAACCCT-A.
Other names: short protein forms R708fs.
Identifiers: ClinVar variation 5015968 (VCV005015968.1).